The following is an entry in ClinVar:

ClinVar aggregate classification (germline): Uncertain significance. Review status: criteria provided, multiple submitters, no conflicts (2 of 4 stars). 2 submissions from 2 submitters: Uncertain significance (2). Last evaluated 2025-07-09.

Conditions:
Immunodeficiency 31B. Also called: STAT1 DEFICIENCY, AUTOSOMAL RECESSIVE; IMMUNODEFICIENCY 31B, MYCOBACTERIAL AND VIRAL INFECTIONS, AUTOSOMAL RECESSIVE. Identifiers: Orphanet 391311, MedGen C3151088, MONDO:0013427, OMIM 613796.
Mendelian susceptibility to mycobacterial diseases due to partial STAT1 deficiency. Also called: IMMUNODEFICIENCY 31A, MYCOBACTERIOSIS, AUTOSOMAL DOMINANT; STAT1 DEFICIENCY, AUTOSOMAL DOMINANT; Immunodeficiency 31a. Identifiers: Orphanet 319595, MedGen C4013950, MONDO:0013956, OMIM 614892.
Autoimmune enteropathy and endocrinopathy - susceptibility to chronic infections syndrome. Also called: Immunodeficiency 31C; Immunodeficiency 31C, autosomal dominant. Identifiers: Orphanet 391487, MedGen C3279990, MONDO:0013599, OMIM 614162.

Allele frequency attached by ClinVar (database versions not stated): gnomAD 0.00001; gnomAD exomes 0.00001; TOPMed 0.00001.
gnomAD v4.1: 11 of 1,613,998 alleles (0.00068%); highest among the groups gnomAD compares: Admixed American, 0.0033%; no homozygotes.

Submissions (2):

Labcorp Genetics (formerly Invitae), Labcorp
Classification: Uncertain significance for Mendelian susceptibility to mycobacterial diseases due to partial STAT1 deficiency; Immunodeficiency 31B; Autoimmune enteropathy and endocrinopathy - susceptibility to chronic infections syndrome. Last evaluated: 2025-07-09. Review status: criteria provided, single submitter. Criteria: Invitae Variant Classification Sherloc (09022015). Collection method: clinical testing. Allele origin: germline.
Comment: This sequence change replaces valine, which is neutral and non-polar, with leucine, which is neutral and non-polar, at codon 134 of the STAT1 protein (p.Val134Leu). This variant is present in population databases (no rsID available, gnomAD no frequency). This variant has not been reported in the literature in individuals affected with STAT1-related conditions. ClinVar contains an entry for this variant (Variation ID: 1982516). An algorithm developed to predict the effect of missense changes on protein structure and function (PolyPhen-2) suggests that this variant is likely to be tolerated. In summary, the available evidence is currently insufficient to determine the role of this variant in disease. Therefore, it has been classified as a Variant of Uncertain Significance.

Blueprint Genetics
Classification: Uncertain significance. Last evaluated: 2024-03-26. Review status: criteria provided, single submitter. Criteria: ACMG Guidelines, 2015. Collection method: clinical testing. Allele origin: germline.

NM_007315.4(STAT1):c.400G>T (p.Val134Leu)

Gene: STAT1 (signal transducer and activator of transcription 1; minus strand). Cytogenetic location: 2q32.2.
Variant type: single nucleotide variant.
Coding change: c.400G>T on transcript NM_007315.4 (MANE Select); coding-DNA position 400, G replaced by T.
Protein change: p.Val134Leu; replaces valine 134 with leucine.
Molecular consequence: missense variant. On other transcripts: intron variant (1).
Genome position (GRCh38, 1-based): chr2:191,001,136, C>A on the plus strand (G>T on the coding strand, the complement: STAT1 is on the minus strand). VCF-style: chr2-191001136-C-A. GRCh37 (hg19) VCF-style: chr2-191865862-C-A.
Other names: c.400G>T, p.Val134Leu (NM_001384880.1, NM_001384882.1, NM_001384883.1 and 6 more transcripts); c.406G>T, p.Val136Leu (NM_001384881.1, NM_001384884.1); c.436G>T, p.Val146Leu (NM_001384891.1); c.373-1432G>T (NM_001384890.1); short protein forms V136L, V134L, V146L.
Identifiers: ClinVar variation 1982516 (VCV001982516.5), dbSNP rs1269987554, ClinGen allele CA349925464.
Genomic context (GRCh38, chr2:191,001,136, plus strand): 5'-TAACCTTGTCCTTCACATTTCTGACTTTACTGTCAAGCTCTTTCTGTTTGTCTAACATCA[C>A]TGTGCTCTGAATATTCCCCGACTGAGCCTGTAATGGGAAGGGCATGATTATAGCCATCGT-3'
Protein context (NP_009330.1, residues 124-144): QAQSGNIQST[Val134Leu]MLDKQKELDS